The following is an entry in ClinVar:

ClinVar aggregate classification (germline): Uncertain significance. Review status: criteria provided, multiple submitters, no conflicts (2 of 4 stars). 2 submissions from 2 submitters: Uncertain significance (2). Last evaluated 2022-08-15.

Conditions:
Intellectual disability, autosomal recessive 42 (NEDDSBA). Also called: Neurodevelopmental disorder with dysmorphic features, spasticity, and brain abnormalities; GLYCOSYLPHOSPHATIDYLINOSITOL BIOSYNTHESIS DEFECT 9. Identifiers: Orphanet 88616, MedGen C4014343, MONDO:0014348, OMIM 615802.

Allele frequency attached by ClinVar (database versions not stated): TOPMed 0.00001.
gnomAD v4.1: 2 of 1,611,194 alleles (0.00012%); highest among the groups gnomAD compares: Admixed American, 0.0017%; no homozygotes.

Submissions (2):

Labcorp Genetics (formerly Invitae), Labcorp
Classification: Uncertain significance for Intellectual disability, autosomal recessive 42. Last evaluated: 2022-08-15. Review status: criteria provided, single submitter. Criteria: Invitae Variant Classification Sherloc (09022015). Collection method: clinical testing. Allele origin: germline.
Comment: This sequence change replaces valine, which is neutral and non-polar, with leucine, which is neutral and non-polar, at codon 483 of the PGAP1 protein (p.Val483Leu). This variant is not present in population databases (gnomAD no frequency). This variant has not been reported in the literature in individuals affected with PGAP1-related conditions. ClinVar contains an entry for this variant (Variation ID: 436294). Algorithms developed to predict the effect of missense changes on protein structure and function output the following: SIFT: "Tolerated"; PolyPhen-2: "Benign"; Align-GVGD: "Class C0". The leucine amino acid residue is found in multiple mammalian species, which suggests that this missense change does not adversely affect protein function. In summary, the available evidence is currently insufficient to determine the role of this variant in disease. Therefore, it has been classified as a Variant of Uncertain Significance.

Genetic Services Laboratory, University of Chicago
Classification: Uncertain significance. Last evaluated: 2016-03-14. Review status: criteria provided, single submitter. Criteria: ACMG Guidelines, 2015. Collection method: clinical testing. Allele origin: germline. Affected: no.

NM_024989.4(PGAP1):c.1447G>C (p.Val483Leu)

Gene: PGAP1 (post-GPI attachment to proteins inositol deacylase 1; minus strand). Cytogenetic location: 2q33.1.
Variant type: single nucleotide variant.
Coding change: c.1447G>C on transcript NM_024989.4 (MANE Select); coding-DNA position 1447, G replaced by C.
Protein change: p.Val483Leu; replaces valine 483 with leucine.
Molecular consequence: missense variant.
Genome position (GRCh38, 1-based): chr2:196,873,738, C>G on the plus strand (G>C on the coding strand, the complement: PGAP1 is on the minus strand). VCF-style: chr2-196873738-C-G. GRCh37 (hg19) VCF-style: chr2-197738462-C-G.
Other names: c.925G>C, p.Val309Leu (NM_001321099.2); c.280G>C, p.Val94Leu (NM_001321100.2); short protein forms V483L, V309L, V94L.
Identifiers: ClinVar variation 436294 (VCV000436294.7), dbSNP rs1329688368, ClinGen allele CA350171315.